The following is an entry in ClinVar:

NM_001137608.3(ZNF732):c.1451T>G (p.Leu484Ter)

Gene: ZNF732 (zinc finger protein 732; minus strand). Cytogenetic location: 4p16.3.
Variant type: single nucleotide variant.
Coding change: c.1451T>G on transcript NM_001137608.3 (MANE Select); coding-DNA position 1451, T replaced by G.
Protein change: p.Leu484Ter; replaces leucine 484 with a stop codon.
Molecular consequence: nonsense.
Genome position (GRCh38, 1-based): chr4:271,406, A>C on the plus strand (T>G on the coding strand, the complement: ZNF732 is on the minus strand). VCF-style: chr4-271406-A-C. GRCh37 (hg19) VCF-style: chr4-265195-A-C.
Other names: short protein forms L484*.
Identifiers: ClinVar variation 3067192 (VCV003067192.21), dbSNP rs201614981, ClinGen allele CA2791123.

ClinVar aggregate classification (germline): Likely benign (1 of 4 stars; one submission).

Allele frequency attached by ClinVar (database versions not stated): gnomAD 0.00064; gnomAD exomes 0.00101; ExAC 0.00287; 1000 Genomes Project 0.00339.
gnomAD v4.1: 1,571 of 1,579,276 alleles (0.099%); highest among the groups gnomAD compares: Middle Eastern, 0.91%; 11 homozygotes.

Submission:

CeGaT Center for Human Genetics Tuebingen
Classification: Likely benign. Last evaluated: 2024-03-01. Review status: criteria provided, single submitter. Criteria: CeGaT Center For Human Genetics Tuebingen Variant Classification Criteria Version 2. Collection method: clinical testing. Allele origin: germline. Affected: yes. Observed: 1 variant allele.
Comment: ZNF732: BS2